The following is an entry in ClinVar:

ClinVar aggregate classification (germline): Uncertain significance (1 of 4 stars; one submission).

Allele frequency attached by ClinVar (database versions not stated): gnomAD exomes below 0.00001; TOPMed 0.00001.
gnomAD v4.1: 2 of 1,614,232 alleles (0.00012%); highest among the groups gnomAD compares: Admixed American, 0.0017%; no homozygotes.

Submission:

Labcorp Genetics (formerly Invitae), Labcorp
Classification: Uncertain significance. Last evaluated: 2024-01-13. Review status: criteria provided, single submitter. Criteria: Invitae Variant Classification Sherloc (09022015). Collection method: clinical testing. Allele origin: germline.
Comment: This sequence change replaces serine, which is neutral and polar, with leucine, which is neutral and non-polar, at codon 1628 of the ANK1 protein (p.Ser1628Leu). This variant is not present in population databases (gnomAD no frequency). This variant has not been reported in the literature in individuals affected with ANK1-related conditions. An algorithm developed to predict the effect of missense changes on protein structure and function (PolyPhen-2) suggests that this variant is likely to be disruptive. In summary, the available evidence is currently insufficient to determine the role of this variant in disease. Therefore, it has been classified as a Variant of Uncertain Significance.

NM_000037.4(ANK1):c.4883C>T (p.Ser1628Leu)

Gene: ANK1 (ankyrin 1; minus strand). Cytogenetic location: 8p11.21.
Variant type: single nucleotide variant.
Coding change: c.4883C>T on transcript NM_000037.4 (MANE Select); coding-DNA position 4883, C replaced by T.
Protein change: p.Ser1628Leu; replaces serine 1628 with leucine.
Molecular consequence: missense variant. On other transcripts: intron variant (1).
Genome position (GRCh38, 1-based): chr8:41,672,567, G>A on the plus strand (C>T on the coding strand, the complement: ANK1 is on the minus strand). VCF-style: chr8-41672567-G-A. GRCh37 (hg19) VCF-style: chr8-41530085-G-A.
Other names: c.5006C>T, p.Ser1669Leu (NM_001142446.2); c.4883C>T, p.Ser1628Leu (NM_020475.3, NM_020476.3); c.4538-141C>T (NM_020477.3); short protein forms S1628L, S1669L.
Identifiers: ClinVar variation 3005361 (VCV003005361.3), dbSNP rs980013581, ClinGen allele CA175915782.